The following is an entry in ClinVar:

ClinVar aggregate classification (germline): Pathogenic/Likely pathogenic. Review status: criteria provided, multiple submitters, no conflicts (2 of 4 stars). 2 submissions from 2 submitters: Pathogenic (1); Likely pathogenic (1). Last evaluated 2023-10-01.

Conditions:
Hereditary hyperekplexia. Identifiers: Orphanet 3197, MedGen C4084968, MONDO:0021022.

Allele frequency attached by ClinVar (database versions not stated): TOPMed below 0.00001.

Submissions (2):

CeGaT Center for Human Genetics Tuebingen
Classification: Likely pathogenic. Last evaluated: 2023-10-01. Review status: criteria provided, single submitter. Criteria: CeGaT Center For Human Genetics Tuebingen Variant Classification Criteria Version 2. Collection method: clinical testing. Allele origin: germline. Affected: yes. Observed: 1 variant allele.
Comment: GLRA1: PVS1:Strong, PM2

Labcorp Genetics (formerly Invitae), Labcorp
Classification: Pathogenic for Hereditary hyperekplexia. Last evaluated: 2022-11-15. Review status: criteria provided, single submitter. Criteria: Invitae Variant Classification Sherloc (09022015). Collection method: clinical testing. Allele origin: germline.
Comment: ClinVar contains an entry for this variant (Variation ID: 1455169). For these reasons, this variant has been classified as Pathogenic. This variant has not been reported in the literature in individuals affected with GLRA1-related conditions. This variant is not present in population databases (gnomAD no frequency). This sequence change creates a premature translational stop signal (p.Pro63Serfs*19) in the GLRA1 gene. It is expected to result in an absent or disrupted protein product. Loss-of-function variants in GLRA1 are known to be pathogenic (PMID: 20631190, 24108130).

Literature cited by the submitters: PubMed 20631190 (cited by Labcorp Genetics (formerly Invitae), Labcorp); PubMed 24108130 (cited by Labcorp Genetics (formerly Invitae), Labcorp).

NM_000171.4(GLRA1):c.186dup (p.Pro63fs)

Gene: GLRA1 (glycine receptor alpha 1; minus strand). Cytogenetic location: 5q33.1.
Variant type: Duplication.
Coding change: c.186dup on transcript NM_000171.4 (MANE Select); coding-DNA position 186, one base duplicated (T; older notation c.186dupT).
Protein change: p.Pro63fs; shifts the reading frame from proline 63.
Molecular consequence: frameshift variant. On other transcripts: 5 prime UTR variant (1).
Genome position (GRCh38, 1-based): chr5:151,886,787, A duplicated on the plus strand (T on the coding strand, the reverse complement: GLRA1 is on the minus strand). VCF-style (leftmost placement, unchanged base first): chr5-151886786-G-GA. GRCh37 (hg19) VCF-style: chr5-151266347-G-GA.
Other names: c.186dup, p.Pro63fs (NM_001146040.2); c.-64dup (NM_001292000.2); short protein forms P63fs.
Identifiers: ClinVar variation 1455169 (VCV001455169.30), dbSNP rs1753918029, ClinGen allele CA1591593706.
Genomic context (GRCh38, chr5:151,886,786, plus strand): 5'-TTGTCTCAGCAATGGAACCAAAGCTGTTGATGAAAATGTTGCAGCTCACGTTCACTGGGG[G>GA]ACCTGCCAATCAAGAGAGATTCCTGCTTAGCCCCAAGGCCATGGAAGAACCCACAGGGTA-3'